The following is an entry in ClinVar:

NM_014476.6(PDLIM3):c.399-258G>A

Gene: PDLIM3 (PDZ and LIM domain 3; minus strand). Cytogenetic location: 4q35.1.
Variant type: single nucleotide variant.
Coding change: c.399-258G>A on transcript NM_014476.6 (MANE Select); 258 bases into the intron before coding-DNA position 399, G replaced by A.
Molecular consequence: intron variant.
Genome position (GRCh38, 1-based): chr4:185,508,820, C>T on the plus strand (G>A on the coding strand, the complement: PDLIM3 is on the minus strand). VCF-style: chr4-185508820-C-T. GRCh37 (hg19) VCF-style: chr4-186429974-C-T.
Other names: c.162-2168G>A (NM_001257963.2); c.399-2168G>A (NM_001257962.2); c.519-2168G>A (NM_001114107.5).
Identifiers: ClinVar variation 683683 (VCV000683683.1), dbSNP rs1840, ClinGen allele CA15335894.

ClinVar aggregate classification (germline): Benign (1 of 4 stars; one submission).

Allele frequency attached by ClinVar (database versions not stated): gnomAD 0.24709 and 0.24994; TOPMed 0.26846; 1000 Genomes Project 0.29533; 1000 Genomes Project 30x 0.30122.
gnomAD v4.1: 37,529 of 152,182 alleles (25%); highest among the groups gnomAD compares: African/African-American, 49%; 6,583 homozygotes.

Submission:

GeneDx
Classification: Benign. Last evaluated: 2018-06-14. Review status: criteria provided, single submitter. Criteria: GeneDx Variant Classification (06012015). Collection method: clinical testing. Allele origin: germline. Affected: yes.
Comment: This variant is considered likely benign or benign based on one or more of the following criteria: it is a conservative change, it occurs at a poorly conserved position in the protein, it is predicted to be benign by multiple in silico algorithms, and/or has population frequency not consistent with disease.